The following is an entry in ClinVar:

NM_152443.3(RDH12):c.185G>A (p.Arg62Gln)

Genes: GPHN (gephyrin; plus strand), RDH12 (retinol dehydrogenase 12; plus strand). Cytogenetic location: 14q24.1.
Variant type: single nucleotide variant.
Coding change: c.185G>A on transcript NM_152443.3 (MANE Select); coding-DNA position 185, G replaced by A.
Protein change: p.Arg62Gln; replaces arginine 62 with glutamine.
Molecular consequence: missense variant.
Genome position (GRCh38, 1-based): chr14:67,724,589, G>A. VCF-style: chr14-67724589-G-A. GRCh37 (hg19) VCF-style: chr14-68191306-G-A.
Other names: c.185G>A (NM_152443.2); short protein forms R62Q.
Identifiers: ClinVar variation 2198108 (VCV002198108.3), dbSNP rs778481181, ClinGen allele CA7238625.

ClinVar aggregate classification (germline): Uncertain significance. Review status: criteria provided, multiple submitters, no conflicts (2 of 4 stars). 3 submissions from 3 submitters: Uncertain significance (3). Last evaluated 2025-10-20.

Conditions:
RDH12-related disorder. Also called: RDH12-related condition; RDH12-related disorders.
Leber congenital amaurosis 13 (LCA13). Identifiers: MedGen C2675186, MONDO:0012990, OMIM 612712.

Allele frequency attached by ClinVar (database versions not stated): TOPMed below 0.00001.
gnomAD v4.1: 29 of 1,611,200 alleles (0.0018%); highest among the groups gnomAD compares: Non-Finnish European, 0.0023%; no homozygotes.

Submissions (3):

PreventionGenetics, part of Exact Sciences
Classification: Uncertain significance for RDH12-related condition. Last evaluated: 2025-10-20. Review status: criteria provided, single submitter. Criteria: ACMG Guidelines, 2015. Collection method: clinical testing. Allele origin: germline.
Comment: The RDH12 c.185G>A variant is predicted to result in the amino acid substitution p.Arg62Gln. This variant has been reported along with a second RDH12 variant in an individual with retinal disease (de Zaeytijd et al. 2021. PubMed ID: 34001834). An alternate substitution of this amino acid residue (p.Arg62Leu) has been reported in a cohort study of autosomal recessive RDH12-associated retinal disease (Fahim et al. 2019. PubMed ID: 30979730). This variant is present in 0.0018% of alleles in individuals of European (Non-Finnish) descent in gnomAD. Although we suspect that this variant may be pathogenic for autosomal recessive disease, at this time, the clinical significance of this variant is uncertain due to the absence of conclusive functional and genetic evidence.

Blueprint Genetics
Classification: Uncertain significance. Last evaluated: 2024-10-10. Review status: criteria provided, single submitter. Criteria: ACMG Guidelines, 2015. Collection method: clinical testing. Allele origin: germline.

Labcorp Genetics (formerly Invitae), Labcorp
Classification: Uncertain significance for Leber congenital amaurosis 13. Last evaluated: 2022-04-25. Review status: criteria provided, single submitter. Criteria: Invitae Variant Classification Sherloc (09022015). Collection method: clinical testing. Allele origin: germline.
Comment: This sequence change replaces arginine, which is basic and polar, with glutamine, which is neutral and polar, at codon 62 of the RDH12 protein (p.Arg62Gln). This variant is present in population databases (rs778481181, gnomAD 0.002%). This variant has not been reported in the literature in individuals affected with RDH12-related conditions. Algorithms developed to predict the effect of missense changes on protein structure and function are either unavailable or do not agree on the potential impact of this missense change (SIFT: "Deleterious"; PolyPhen-2: "Probably Damaging"; Align-GVGD: "Class C0"). In summary, the available evidence is currently insufficient to determine the role of this variant in disease. Therefore, it has been classified as a Variant of Uncertain Significance.